The following is an entry in ClinVar:

ClinVar aggregate classification (germline): Uncertain significance. Review status: criteria provided, multiple submitters, no conflicts (2 of 4 stars). 2 submissions from 2 submitters: Uncertain significance (2). Last evaluated 2022-10-31.

Conditions:
Meckel-Gruber syndrome. Also called: GRUBER SYNDROME; DYSENCEPHALIA SPLANCHNOCYSTICA; Dysencephalia splachnocystica. Identifiers: Orphanet 564, MedGen C0265215, MONDO:0018921.
Joubert syndrome. Also called: Familial aplasia of the vermis; JOUBERT-BOLTSHAUSER SYNDROME. Identifiers: Orphanet 475, MedGen C5979921, MONDO:0018772.

Allele frequency attached by ClinVar (database versions not stated): gnomAD 0.00001; TOPMed 0.00002; gnomAD exomes 0.00003 and below 0.00001.
gnomAD v4.1: 49 of 1,614,112 alleles (0.003%); highest among the groups gnomAD compares: Non-Finnish European, 0.0041%; no homozygotes.

Submissions (2):

Blueprint Genetics
Classification: Uncertain significance. Last evaluated: 2022-10-31. Review status: criteria provided, single submitter. Criteria: ACMG Guidelines, 2015. Collection method: clinical testing. Allele origin: germline.

Labcorp Genetics (formerly Invitae), Labcorp
Classification: Uncertain significance for Joubert syndrome; Meckel-Gruber syndrome. Last evaluated: 2022-03-09. Review status: criteria provided, single submitter. Criteria: Invitae Variant Classification Sherloc (09022015). Collection method: clinical testing. Allele origin: germline.
Comment: In summary, the available evidence is currently insufficient to determine the role of this variant in disease. Therefore, it has been classified as a Variant of Uncertain Significance. Algorithms developed to predict the effect of missense changes on protein structure and function are either unavailable or do not agree on the potential impact of this missense change (SIFT: "Deleterious"; PolyPhen-2: "Possibly Damaging"; Align-GVGD: "Class C0"). ClinVar contains an entry for this variant (Variation ID: 461756). This variant has not been reported in the literature in individuals affected with TCTN1-related conditions. This variant is present in population databases (no rsID available, gnomAD 0.0009%). This sequence change replaces leucine, which is neutral and non-polar, with phenylalanine, which is neutral and non-polar, at codon 508 of the TCTN1 protein (p.Leu508Phe).

NM_001082538.3(TCTN1):c.1522C>T (p.Leu508Phe)

Gene: TCTN1 (tectonic family member 1; plus strand). Cytogenetic location: 12q24.11.
Variant type: single nucleotide variant.
Coding change: c.1522C>T on transcript NM_001082538.3 (MANE Select); coding-DNA position 1522, C replaced by T.
Protein change: p.Leu508Phe; replaces leucine 508 with phenylalanine.
Molecular consequence: missense variant. On other transcripts: non-coding transcript variant (1).
Genome position (GRCh38, 1-based): chr12:110,647,223, C>T. VCF-style: chr12-110647223-C-T. GRCh37 (hg19) VCF-style: chr12-111085028-C-T.
Other names: c.1507C>T, p.Leu503Phe (NM_001082537.3); c.1339C>T, p.Leu447Phe (NM_001173975.3); c.1195C>T, p.Leu399Phe (NM_001173976.2); c.1360C>T, p.Leu454Phe (NM_001319680.2); c.973C>T, p.Leu325Phe (NM_001319681.2); c.1465C>T, p.Leu489Phe (NM_024549.6); short protein forms L489F, L508F, L325F, L447F, L399F, L454F, L503F.
Identifiers: ClinVar variation 461756 (VCV000461756.8), dbSNP rs1016934113, ClinGen allele CA243537686.